The following is an entry in ClinVar:

ClinVar aggregate classification (germline): Conflicting classifications of pathogenicity. Review status: criteria provided, conflicting classifications (1 of 4 stars). 3 submissions from 3 submitters: Uncertain significance (2); Likely benign (1). Last evaluated 2026-04-16.

Conditions:
TP63-Related Spectrum Disorders.
Ankyloblepharon-ectodermal defects-cleft lip/palate syndrome. Also called: Ankyloblepharon-ectodermal defects, cleft lip/palate; Hay-Wells syndrome of ectodermal dysplasia; AEC SYNDROME; Ankyloblepharon-Ectodermal Defects-Cleft Lip/Palate Syndrome (AEC Syndrome); HAY-WELLS SYNDROME. Identifiers: Orphanet 1071, MedGen C0406709, MONDO:0007124, OMIM 106260.
Rapp-Hodgkin syndrome (RHS). Also called: ECTODERMAL DYSPLASIA, ANHIDROTIC, WITH CLEFT LIP/PALATE; Rapp-Hodgkin ectodermal dysplasia syndrome; Isolated Cleft Lip/Cleft Palate (Orofacial Cleft 8). Identifiers: MedGen C1785148, MONDO:0007508, OMIM 129400.
Limb-mammary syndrome (LMS). Also called: Mammary hypoplasia, ectrodactyly, and other hand/foot anomalies. Identifiers: Orphanet 69085, MedGen C1863753, MONDO:0011334, OMIM 603543.
Orofacial cleft 8. Also called: Cleft lip with or without cleft palate, nonsyndromic, 8. Identifiers: MedGen C1851878, MONDO:0029145, OMIM 618149.
Ectrodactyly, ectodermal dysplasia, and cleft lip-palate syndrome 3. Also called: Ectrodactyly, Ectodermal Dysplasia, Cleft Lip/Palate Syndrome 3 (EEC3); Ectrodactyly, Ectodermal Dysplasia, Clefting Syndrome; EEC SYNDROME 3; Ectrodactyly, Ectodermal Dysplasia, Clefting Syndrome Type 3 (EEC3). Identifiers: Orphanet 1896, MedGen C1858562, MONDO:0011428, OMIM 604292.
Premature ovarian failure 21 (POF21). Identifiers: MedGen C5830399, MONDO:0957216, OMIM 620311.
ADULT syndrome. Also called: ACRO-DERMATO-UNGUAL-LACRIMAL-TOOTH SYNDROME; Acro-dermato-ungual-lacrimal-tooth (adult) syndrome; Acro-Dermo-Ungual-Lacrimal-Tooth Syndrome (ADULT Syndrome). Identifiers: Orphanet 978, MedGen C1863204, MONDO:0007072, OMIM 103285.
Split hand-foot malformation 4. Also called: Split-Hand/Foot Malformation Type 4 (SHFM4); Split-Hand/Foot Malformation Type 4 (SHFM4 syndrome). Identifiers: Orphanet 2440, MedGen C1854442, MONDO:0011535, OMIM 605289.

Allele frequency attached by ClinVar (database versions not stated): ExAC 0.00001; gnomAD 0.00002; TOPMed 0.00001; gnomAD exomes 0.00001.

Submissions (3):

Centre for Medical Genetics,  Mumbai
Classification: Likely benign for Ectrodactyly, ectodermal dysplasia, and cleft lip-palate syndrome 3. Last evaluated: 2026-04-16. Review status: criteria provided, single submitter. Criteria: ACMG Guidelines, 2015. Collection method: provider interpretation. Allele origin: germline. Inheritance: Autosomal dominant inheritance. Affected: no. Observed: 1 variant allele, 1 heterozygote.
Comment: The variant satisfies PM2 criteria - extremely low frequency in gnomAD population databases. The variant satisfies PP3 criteria - for a missense or a splicing region variant, computational prediction tools unanimously support a deleterious effect on the gene. The variant satisfies PP2 criteria - missense variant in a gene with low rate of benign missense mutations and for which missense mutation is a common mechanism of a disease. However, the variant satisfies BS2 criteria - present in heterozygous state in an individual that clinically does not have ectrodactyly, ectodermal dysplasia, and cleft lip/palate syndrome.

Fulgent Genetics
Classification: Uncertain significance for ADULT syndrome; Ankyloblepharon-ectodermal defects-cleft lip/palate syndrome; Rapp-Hodgkin syndrome; Limb-mammary syndrome; Ectrodactyly, ectodermal dysplasia, and cleft lip-palate syndrome 3; Split hand-foot malformation 4; Orofacial cleft 8; Premature ovarian failure 21. Last evaluated: 2024-04-29. Review status: criteria provided, single submitter. Criteria: ACMG Guidelines, 2015. Collection method: clinical testing. Allele origin: germline.

Labcorp Genetics (formerly Invitae), Labcorp
Classification: Uncertain significance. Last evaluated: 2024-01-11. Review status: criteria provided, single submitter. Criteria: Invitae Variant Classification Sherloc (09022015). Collection method: clinical testing. Allele origin: germline.
Comment: This sequence change replaces arginine, which is basic and polar, with histidine, which is basic and polar, at codon 408 of the TP63 protein (p.Arg408His). This variant is present in population databases (rs751698974, gnomAD 0.004%). This missense change has been observed in individual(s) with clinical features of TP63-related disorders (PMID: 30850703). Advanced modeling of protein sequence and biophysical properties (such as structural, functional, and spatial information, amino acid conservation, physicochemical variation, residue mobility, and thermodynamic stability) has been performed at Invitae for this missense variant, however the output from this modeling did not meet the statistical confidence thresholds required to predict the impact of this variant on TP63 protein function. Experimental studies are conflicting or provide insufficient evidence to determine the effect of this variant on TP63 function (PMID: 30850703). In summary, the available evidence is currently insufficient to determine the role of this variant in disease. Therefore, it has been classified as a Variant of Uncertain Significance.

Literature cited by the submitters: PubMed 10535733 (cited by Centre for Medical Genetics,  Mumbai); PubMed 30850703 (cited by Labcorp Genetics (formerly Invitae), Labcorp).

NM_003722.5(TP63):c.1223G>A (p.Arg408His)

Gene: TP63 (tumor protein p63; plus strand). Cytogenetic location: 3q28.
Variant type: single nucleotide variant.
Coding change: c.1223G>A on transcript NM_003722.5 (MANE Select); coding-DNA position 1223, G replaced by A.
Protein change: p.Arg408His; replaces arginine 408 with histidine.
Molecular consequence: missense variant.
Genome position (GRCh38, 1-based): chr3:189,872,869, G>A. VCF-style: chr3-189872869-G-A. GRCh37 (hg19) VCF-style: chr3-189590658-G-A.
Other names: c.1223G>A, p.Arg408His (NM_001114978.2, NM_001114979.2, NM_001329144.2); c.941G>A, p.Arg314His (NM_001114980.2, NM_001114981.2, NM_001114982.2 and 1 more transcripts); c.686G>A, p.Arg229His (NM_001329146.2); c.1211G>A, p.Arg404His (NM_001329148.2); c.929G>A, p.Arg310His (NM_001329149.2); c.674G>A, p.Arg225His (NM_001329150.2); c.1217G>A, p.Arg406His (NM_001329964.2); short protein forms R225H, R314H, R229H, R404H, R406H, R310H, R408H.
Identifiers: ClinVar variation 2889616 (VCV002889616.4), dbSNP rs751698974, ClinGen allele CA2752389.
Genomic context (GRCh38, chr3:189,872,869, plus strand): 5'-AGTTCTACAGCTTTTCATGTTTCCTTCTTTCCTTCTGCTCACTTCCATAGGTGAGGGGCC[G>A]TGAGACTTATGAAATGCTGTTGAAGATCAAAGAGTCCCTGGAACTCATGCAGTACCTTCC-3'
Protein context (NP_003713.3, residues 398-418): DELLYLPVRG[Arg408His]ETYEMLLKIK